The following is an entry in ClinVar:

NM_007294.4(BRCA1):c.2143_2155delinsTCTTT (p.Thr715fs)

Gene: BRCA1 (BRCA1 DNA repair associated; minus strand). Cytogenetic location: 17q21.31.
Variant type: Indel.
Coding change: c.2143_2155delinsTCTTT on transcript NM_007294.4 (MANE Select); coding-DNA positions 2143 to 2155, ACCAGTGAACTTA replaced by TCTTT.
Protein change: p.Thr715fs; shifts the reading frame from threonine 715.
Molecular consequence: frameshift variant. On other transcripts: intron variant (137).
Genome position (GRCh38, 1-based): chr17:43,093,376-43,093,388, TAAGTTCACTGGT replaced by AAAGA on the plus strand (ACCAGTGAACTTA replaced by TCTTT on the coding strand, the reverse complement: BRCA1 is on the minus strand). VCF-style: chr17-43093376-TAAGTTCACTGGT-AAAGA. GRCh37 (hg19) VCF-style: chr17-41245393-TAAGTTCACTGGT-AAAGA.
Other names: c.2143_2155delinsTCTTT, p.Thr715fs (NM_001407620.1, NM_001407621.1, NM_001407623.1 and 30 more transcripts); c.2143_2155del13insTCTTT (NM_007294.3); c.2140_2152delinsTCTTT, p.Thr714fs (NM_001407631.1, NM_001407627.1, NM_001407628.1 and 22 more transcripts); c.668-2356_668-2344delinsTCTTT (NM_001408424.1, NM_001408421.1, NM_001408431.1); c.784+1356_784+1368delinsTCTTT (NM_001408407.1, NM_001408402.1, NM_001408473.1 and 13 more transcripts); c.664+1356_664+1368delinsTCTTT (NM_001408443.1, NM_001408439.1, NM_001408425.1 and 12 more transcripts); c.671-2356_671-2344delinsTCTTT (NM_001408419.1, NM_001408422.1, NM_001408418.1 and 2 more transcripts); c.787+1356_787+1368delinsTCTTT (NM_001408403.1, NM_001407983.1, NM_001407975.1 and 17 more transcripts); and 42 more; short protein forms T668fs, T715fs, T547fs, T647fs, T673fs, T689fs, T714fs, T644fs.
Identifiers: ClinVar variation 570393 (VCV000570393.7), dbSNP rs1567796807, ClinGen allele CA891843733.

ClinVar aggregate classification (germline): Pathogenic. Review status: criteria provided, multiple submitters, no conflicts (2 of 4 stars). 3 submissions from 3 submitters: Pathogenic (3). Last evaluated 2025-06-24.

Conditions:
Hereditary cancer-predisposing syndrome. Also called: Hereditary neoplastic syndrome; Tumor predisposition; Neoplastic Syndromes, Hereditary; Hereditary Cancer Syndrome. Identifiers: Orphanet 140162, MedGen C0027672, MeSH D009386, MONDO:0015356.
Hereditary breast ovarian cancer syndrome. Also called: Hereditary breast and ovarian cancer syndrome; Breast and ovarian cancer; Hereditary breast and ovarian cancer; Hereditary breast and/or ovarian cancer syndrome; Hereditary breast and ovarian cancer syndrome (HBOC); BRCA1- and BRCA2-Associated Hereditary Breast and Ovarian Cancer. Identifiers: Orphanet 145, MedGen C0677776, MeSH D061325, MONDO:0003582. Disease mechanism: loss of function.

Submissions (3):

Quest Diagnostics Nichols Institute San Juan Capistrano
Classification: Pathogenic. Last evaluated: 2025-06-24. Review status: criteria provided, single submitter. Criteria: Quest Diagnostics criteria. Collection method: clinical testing. Allele origin: unknown.
Comment: The BRCA1 c.2143_2155delinsTCTTT (p.Thr715Serfs*8) variant alters the translational reading frame of the BRCA1 mRNA and causes the premature termination of BRCA1 protein synthesis. This variant has been reported in the published literature in an individual with lung cancer (PMID: 31565484 (2019)). This variant has not been reported in large, multi-ethnic general populations (Genome Aggregation Database). Based on the available information, this variant is classified as pathogenic.

Labcorp Genetics (formerly Invitae), Labcorp
Classification: Pathogenic for Hereditary breast ovarian cancer syndrome. Last evaluated: 2021-08-30. Review status: criteria provided, single submitter. Criteria: Invitae Variant Classification Sherloc (09022015). Collection method: clinical testing. Allele origin: germline.
Comment: This sequence change deletes 13 nucleotides and inserts 5 nucleotides in exon 10 of the BRCA1 mRNA (c.2143_2155delinsTCTTT), causing a frameshift at codon 715. This creates a premature translational stop signal (p.Thr715Serfs*8) and is expected to result in an absent or disrupted protein product. This variant is not present in population databases (ExAC no frequency). This variant has not been reported in the literature in individuals with BRCA1-related conditions. ClinVar contains an entry for this variant (Variation ID: 570393). Loss-of-function variants in BRCA1 are known to be pathogenic (PMID: 20104584). For these reasons, this variant has been classified as Pathogenic.

Ambry Genetics
Classification: Pathogenic for Hereditary cancer-predisposing syndrome. Last evaluated: 2021-07-22. Review status: criteria provided, single submitter. Criteria: Ambry Variant Classification Scheme 2023. Collection method: clinical testing. Allele origin: germline.
Comment: The c.2143_2155del13insTCTTT pathogenic mutation, located in coding exon 9 of the BRCA1 gene, results from the deletion of 13 nucleotides and insertion of 5 nucleotides causing a translational frameshift with a predicted alternate stop codon (p.T715Sfs*8). This variant is considered to be rare based on population cohorts in the Genome Aggregation Database (gnomAD). This alteration is expected to result in loss of function by premature protein truncation or nonsense-mediated mRNA decay. As such, this alteration is interpreted as a disease-causing mutation.

Literature cited by the submitters: PubMed 31565484 (cited by Quest Diagnostics Nichols Institute San Juan Capistrano and Ambry Genetics); PubMed 20104584 (cited by Labcorp Genetics (formerly Invitae), Labcorp).